The following is an entry in ClinVar:

ClinVar aggregate classification (germline): Uncertain significance (1 of 4 stars; one submission).

Submission:

GeneDx
Classification: Uncertain significance. Last evaluated: 2023-06-07. Review status: criteria provided, single submitter. Criteria: GeneDx Variant Classification Process June 2021. Collection method: clinical testing. Allele origin: germline. Affected: yes.
Comment: Not observed at significant frequency in large population cohorts (gnomAD); In silico analysis supports that this missense variant has a deleterious effect on protein structure/function; Has not been previously published as pathogenic or benign to our knowledge

NM_019597.5(HNRNPH2):c.523A>G (p.Arg175Gly)

Genes: HNRNPH2 (heterogeneous nuclear ribonucleoprotein H2; plus strand), RPL36A-HNRNPH2 (RPL36A-HNRNPH2 readthrough; plus strand). Cytogenetic location: Xq22.1.
Variant type: single nucleotide variant.
Coding change: c.523A>G on transcript NM_019597.5 (MANE Select); coding-DNA position 523, A replaced by G.
Protein change: p.Arg175Gly; replaces arginine 175 with glycine.
Molecular consequence: missense variant. On other transcripts: 3 prime UTR variant (2).
Genome position (GRCh38, 1-based): chrX:101,412,511, A>G. VCF-style: chrX-101412511-A-G. GRCh37 (hg19) VCF-style: chrX-100667499-A-G.
Other names: c.*519A>G (NM_001199973.2, NM_001199974.2); c.523A>G, p.Arg175Gly (NM_001032393.3); short protein forms R175G.
Identifiers: ClinVar variation 3359476 (VCV003359476.1).